The following is an entry in ClinVar:

ClinVar aggregate classification (germline): Uncertain significance (1 of 4 stars; one submission).

Conditions:
FREM2-related disorder. Also called: FREM2-related condition.

Allele frequency attached by ClinVar (database versions not stated): gnomAD exomes below 0.00001; gnomAD 0.00001.
gnomAD v4.1: 2 of 1,613,782 alleles (0.00012%); highest among the groups gnomAD compares: Admixed American, 0.0033%; no homozygotes.

Submission:

PreventionGenetics, part of Exact Sciences
Classification: Uncertain significance for FREM2-related condition. Last evaluated: 2023-04-04. Review status: criteria provided, single submitter. Criteria: ACMG Guidelines, 2015. Collection method: clinical testing. Allele origin: germline.
Comment: The FREM2 c.6506G>A variant is predicted to result in the amino acid substitution p.Gly2169Glu. To our knowledge, this variant has not been reported in the literature or in a large population database, indicating this variant is rare. At this time, the clinical significance of this variant is uncertain due to the absence of conclusive functional and genetic evidence.

NM_207361.6(FREM2):c.6506G>A (p.Gly2169Glu)

Gene: FREM2 (FRAS1 related extracellular matrix 2; plus strand). Cytogenetic location: 13q13.3.
Variant type: single nucleotide variant.
Coding change: c.6506G>A on transcript NM_207361.6 (MANE Select); coding-DNA position 6506, G replaced by A.
Protein change: p.Gly2169Glu; replaces glycine 2169 with glutamic acid.
Molecular consequence: missense variant.
Genome position (GRCh38, 1-based): chr13:38,850,164, G>A. VCF-style: chr13-38850164-G-A. GRCh37 (hg19) VCF-style: chr13-39424301-G-A.
Other names: short protein forms G2169E.
Identifiers: ClinVar variation 2636236 (VCV002636236.1), dbSNP rs1877317235, ClinGen allele CA387896448.
Genomic context (GRCh38, chr13:38,850,164, plus strand): 5'-TGATCCATAGGACTGGGGATGTCCAGTACAGATCTTCAGTGAGATGCTACACCCGGCAGG[G>A]GTCTGCACAGGTGATGATGGACTTTGAAGAACGCCCAAACACTGATACCTCCATCATCAC-3'
Protein context (NP_997244.4, residues 2159-2179): RSSVRCYTRQ[Gly2169Glu]SAQVMMDFEE